The following is an entry in ClinVar:

NM_001148.6(ANK2):c.6692A>G (p.Tyr2231Cys)

Gene: ANK2 (ankyrin 2; plus strand). Cytogenetic location: 4q26.
Variant type: single nucleotide variant.
Coding change: c.6692A>G on transcript NM_001148.6 (MANE Select); coding-DNA position 6692, A replaced by G.
Protein change: p.Tyr2231Cys; replaces tyrosine 2231 with cysteine.
Molecular consequence: missense variant. On other transcripts: intron variant (68).
Genome position (GRCh38, 1-based): chr4:113,355,310, A>G. VCF-style: chr4-113355310-A-G. GRCh37 (hg19) VCF-style: chr4-114276466-A-G.
Other names: c.4411+5061A>G (NM_001386148.2, NM_001386186.2); c.4213+5061A>G (NM_001354269.3); c.4291+5061A>G (NM_001386187.2); c.4252+5061A>G (NM_001386147.1); c.4270+5061A>G (NM_001386160.1); c.4375+5061A>G (NM_001354254.2); c.4396+5061A>G (NM_001354239.2, NM_001354252.2); c.4297+5061A>G (NM_001354272.2); and 35 more; short protein forms Y1031C, Y2231C, Y2270C, Y2153C, Y2278C.
Identifiers: ClinVar variation 5021816 (VCV005021816.1).

ClinVar aggregate classification (germline): Uncertain significance (1 of 4 stars; one submission).

Conditions:
Cardiovascular phenotype. Identifiers: MedGen CN230736.

gnomAD v4.1: 1 of 1,614,042 alleles (0.000062%); highest among the groups gnomAD compares: Non-Finnish European, 0.000085%; no homozygotes.

Submission:

Ambry Genetics
Classification: Uncertain significance for Cardiovascular phenotype. Last evaluated: 2026-08-31. Review status: criteria provided, single submitter. Criteria: Ambry Variant Classification Scheme 2023. Collection method: clinical testing. Allele origin: germline.
Comment: The p.Y2231C variant (also known as c.6692A>G), located in coding exon 38 of the ANK2 gene, results from an A to G substitution at nucleotide position 6692. The tyrosine at codon 2231 is replaced by cysteine, an amino acid with highly dissimilar properties. This amino acid position is conserved. In addition, the in silico prediction for this alteration is inconclusive. Based on the available evidence, the clinical significance of this variant remains unclear.